The following is an entry in ClinVar:

ClinVar aggregate classification (germline): Conflicting classifications of pathogenicity. Review status: criteria provided, conflicting classifications (1 of 4 stars). 3 submissions from 3 submitters: Uncertain significance (2); Likely benign (1). Last evaluated 2025-06-22.

Conditions:
Colorectal cancer, hereditary nonpolyposis, type 7. Identifiers: Orphanet 144, MedGen C1858380, MONDO:0013725, OMIM 614385.

Allele frequency attached by ClinVar (database versions not stated): ExAC 0.00002; TOPMed 0.00002; gnomAD 0.00001; gnomAD exomes 0.00005 and 0.00001; ESP Exome Variant Server 0.00008.
gnomAD v4.1: 23 of 1,614,068 alleles (0.0014%); highest among the groups gnomAD compares: Admixed American, 0.013%; no homozygotes.

Submissions (3):

Labcorp Genetics (formerly Invitae), Labcorp
Classification: Uncertain significance for Colorectal cancer, hereditary nonpolyposis, type 7. Last evaluated: 2025-06-22. Review status: criteria provided, single submitter. Criteria: Invitae Variant Classification Sherloc (09022015). Collection method: clinical testing. Allele origin: germline.
Comment: This sequence change replaces tyrosine, which is neutral and polar, with cysteine, which is neutral and slightly polar, at codon 974 of the MLH3 protein (p.Tyr974Cys). This variant is present in population databases (rs143316827, gnomAD 0.02%). This variant has not been reported in the literature in individuals affected with MLH3-related conditions. ClinVar contains an entry for this variant (Variation ID: 844914). An algorithm developed to predict the effect of missense changes on protein structure and function outputs the following: PolyPhen-2: "Benign". The cysteine amino acid residue is found in multiple mammalian species, which suggests that this missense change does not adversely affect protein function. In summary, the available evidence is currently insufficient to determine the role of this variant in disease. Therefore, it has been classified as a Variant of Uncertain Significance.

Dasa
Classification: Uncertain significance. Last evaluated: 2025-04-18. Review status: criteria provided, single submitter. Criteria: DASA Assertion Criteria. Collection method: clinical testing. Allele origin: germline.
Comment: NM_001040108.2(MLH3):c.2921A>G (p.Tyr974Cys) is a missense variant that results in the substitution of tyrosine with cysteine. This variant is rare in population databases. Computational prediction algorithms are consistent with a benign effect. The currently available literature and clinical evidence are not sufficient to establish a definitive association between this variant and the reported condition. Therefore, this variant is classified as a variant of uncertain significance.

Ambry Genetics
Classification: Likely benign. Last evaluated: 2024-02-13. Review status: criteria provided, single submitter. Criteria: Ambry Variant Classification Scheme 2023. Collection method: clinical testing. Allele origin: germline.

NM_001040108.2(MLH3):c.2921A>G (p.Tyr974Cys)

Gene: MLH3 (mutL homolog 3; minus strand). Cytogenetic location: 14q24.3.
Variant type: single nucleotide variant.
Coding change: c.2921A>G on transcript NM_001040108.2 (MANE Select); coding-DNA position 2921, A replaced by G.
Protein change: p.Tyr974Cys; replaces tyrosine 974 with cysteine.
Molecular consequence: missense variant.
Genome position (GRCh38, 1-based): chr14:75,046,735, T>C on the plus strand (A>G on the coding strand, the complement: MLH3 is on the minus strand). VCF-style: chr14-75046735-T-C. GRCh37 (hg19) VCF-style: chr14-75513438-T-C.
Other names: c.2921A>G, p.Tyr974Cys (NM_014381.3); short protein forms Y974C.
Identifiers: ClinVar variation 844914 (VCV000844914.14), dbSNP rs143316827, ClinGen allele CA7275616.